The following is an entry in ClinVar:

NM_001042492.3(NF1):c.7780del (p.Arg2594fs)

Gene: NF1 (neurofibromin 1; plus strand). Cytogenetic location: 17q11.2.
Variant type: Deletion.
Coding change: c.7780del on transcript NM_001042492.3 (MANE Select); coding-DNA position 7780, one base deleted (C; older notation c.7780delC).
Protein change: p.Arg2594fs; shifts the reading frame from arginine 2594.
Molecular consequence: frameshift variant.
Genome position (GRCh38, 1-based): chr17:31,357,001, C deleted. VCF-style (leftmost placement, unchanged base first): chr17-31357000-AC-A. GRCh37 (hg19) VCF-style: chr17-29684018-AC-A.
Other names: c.7717del, p.Arg2573fs (NM_000267.4); short protein forms R2573fs, R2594fs.
Identifiers: ClinVar variation 4685831 (VCV004685831.1).

ClinVar aggregate classification (germline): Likely pathogenic (1 of 4 stars; one submission).

Submission:

ARUP Laboratories, Molecular Genetics and Genomics, ARUP Laboratories
Classification: Likely pathogenic. Last evaluated: 2025-05-20. Review status: criteria provided, single submitter. Criteria: ARUP Molecular Germline Variant Investigation Process 2024. Collection method: clinical testing. Allele origin: germline.
Comment: The NF1 c. 7780del; p.Arg2594ValfsTer30 variant (rs2070287630), to our knowledge, is not reported in the medical literature or gene specific databases. This variant is also absent from the Genome Aggregation Database (v2.1.1), indicating it is not a common polymorphism. This variant causes a frameshift by deleting a single nucleotide, so it is predicted to result in a truncated protein or mRNA subject to nonsense-mediated decay. Based on available information, this variant is considered to be likely pathogenic.